The following is an entry in ClinVar:

NM_001267550.2(TTN):c.33417_33418+1del

Gene: TTN (titin; minus strand). Cytogenetic location: 2q31.2.
Variant type: Deletion.
Coding change: c.33417_33418+1del on transcript NM_001267550.2 (MANE Select); coding-DNA position 33417 through the canonical splice donor site of the intron after coding-DNA position 33418, 3 bases deleted (AGG; older notation c.33417_33418+1delAGG).
Molecular consequence: splice donor variant. On other transcripts: intron variant (3).
Genome position (GRCh38, 1-based): chr2:178,680,253-178,680,255, CCT deleted on the plus strand (AGG on the coding strand, the reverse complement: TTN is on the minus strand); deleting any 3 consecutive bases within chr2:178,680,253-178,680,256 gives the same sequence; the c. name uses the placement nearest the transcript's 3' end. VCF-style (leftmost placement, unchanged base first): chr2-178680252-ACCT-A. GRCh37 (hg19) VCF-style: chr2-179544979-ACCT-A.
Other names: c.13283-37938_13283-37936del (NM_003319.4); c.13859-37938_13859-37936del (NM_133437.4); c.13658-37938_13658-37936del (NM_133432.3); c.29685_29686+1del (NM_133378.4); c.32466_32467+1del (NM_001256850.1).
Identifiers: ClinVar variation 1515528 (VCV001515528.6), dbSNP rs2069047923, ClinGen allele CA1310576288.

ClinVar aggregate classification (germline): Likely pathogenic (1 of 4 stars; one submission).

Conditions:
Dilated cardiomyopathy 1G (CMD1G). Identifiers: Orphanet 154, MedGen C1858763, MONDO:0011400, OMIM 604145.
Autosomal recessive limb-girdle muscular dystrophy type 2J (LGMDR10). Also called: Limb-girdle muscular dystrophy, type 2J; MUSCULAR DYSTROPHY, LIMB-GIRDLE, AUTOSOMAL RECESSIVE 10. Identifiers: Orphanet 140922, MedGen C1837342, MONDO:0012127, OMIM 608807.

Submission:

Labcorp Genetics (formerly Invitae), Labcorp
Classification: Likely pathogenic for Dilated cardiomyopathy 1G; Autosomal recessive limb-girdle muscular dystrophy type 2J. Last evaluated: 2024-10-18. Review status: criteria provided, single submitter. Criteria: Invitae Variant Classification Sherloc (09022015). Collection method: clinical testing. Allele origin: germline.
Comment: This variant results in the deletion of part of exon 139 (c.33417_33418+1del) of the TTN gene. It is expected to disrupt RNA splicing and likely results in a truncated or disrupted TTN protein. This variant is not present in population databases (gnomAD no frequency). This variant has not been reported in the literature in individuals affected with TTN-related conditions. ClinVar contains an entry for this variant (Variation ID: 1515528). This variant is located in the I band of TTN (PMID: 25589632). Truncating variants in this region have been reported in individuals affected with autosomal recessive centronuclear myopathy (PMID: 23975875, internal data). Truncating variants in this region have also been identified in individuals affected with autosomal dominant dilated cardiomyopathy and/or cardio-related conditions (PMID: 27869827, 32964742, internal data). In summary, the currently available evidence indicates that the variant is pathogenic, but additional data are needed to prove that conclusively. Therefore, this variant has been classified as Likely Pathogenic.

Literature cited by the submitters: PubMed 25589632; PubMed 23975875; PubMed 27869827; PubMed 32964742.